The following is an entry in ClinVar:

NM_152564.5(VPS13B):c.6713A>G (p.Asn2238Ser)

Gene: VPS13B (vacuolar protein sorting 13 homolog B; plus strand). Cytogenetic location: 8q22.2.
Variant type: single nucleotide variant.
Coding change: c.6713A>G on transcript NM_152564.5 (MANE Select); coding-DNA position 6713, A replaced by G.
Protein change: p.Asn2238Ser; replaces asparagine 2238 with serine.
Molecular consequence: missense variant.
Genome position (GRCh38, 1-based): chr8:99,720,400, A>G. VCF-style: chr8-99720400-A-G. GRCh37 (hg19) VCF-style: chr8-100732628-A-G.
Other names: c.6788A>G, p.Asn2263Ser (NM_017890.5); c.6713A>G (NM_152564.4); short protein forms N2263S, N2238S.
Identifiers: ClinVar variation 645487 (VCV000645487.12), dbSNP rs141275433, ClinGen allele CA4824079.

ClinVar aggregate classification (germline): Conflicting classifications of pathogenicity. Review status: criteria provided, conflicting classifications (1 of 4 stars). 6 submissions from 6 submitters: Uncertain significance (4); Likely benign (2). Last evaluated 2026-03-06.

Conditions:
VPS13B-related disorder. Also called: VPS13B-related condition.
Inborn genetic diseases. Identifiers: MedGen C0950123, MeSH D030342.
Cohen syndrome (COH1). Also called: Cutis verticis gyrata, retinitis pigmentosa, and sensorineural deafness; PEPPER SYNDROME. Identifiers: Orphanet 193, MedGen C0265223, MONDO:0008999, OMIM 216550.

Allele frequency attached by ClinVar (database versions not stated): gnomAD exomes 0.00003; ExAC 0.00005; gnomAD 0.00005; TOPMed 0.00008; ESP Exome Variant Server 0.00031.
gnomAD v4.1: 52 of 1,613,796 alleles (0.0032%); highest among the groups gnomAD compares: African/African-American, 0.021%; no homozygotes.

Submissions (6):

PreventionGenetics, part of Exact Sciences
Classification: Uncertain significance for VPS13B-related condition. Last evaluated: 2026-03-06. Review status: criteria provided, single submitter. Criteria: ACMG Guidelines, 2015. Collection method: clinical testing. Allele origin: germline.
Comment: The VPS13B c.6713A>G variant is predicted to result in the amino acid substitution p.Asn2238Ser. To our knowledge, this variant has not been reported in the literature. This variant is reported in 0.037% of alleles in individuals of African descent in gnomAD. At this time, the clinical significance of this variant is uncertain due to the absence of conclusive functional and genetic evidence.

Labcorp Genetics (formerly Invitae), Labcorp
Classification: Uncertain significance for Cohen syndrome. Last evaluated: 2026-01-25. Review status: criteria provided, single submitter. Criteria: Invitae Variant Classification Sherloc (09022015). Collection method: clinical testing. Allele origin: germline.
Comment: This sequence change replaces asparagine, which is neutral and polar, with serine, which is neutral and polar, at codon 2263 of the VPS13B protein (p.Asn2263Ser). This variant is present in population databases (rs141275433, gnomAD 0.03%). This variant has not been reported in the literature in individuals affected with VPS13B-related conditions. ClinVar contains an entry for this variant (Variation ID: 645487). Invitae Evidence Modeling of protein sequence and biophysical properties (such as structural, functional, and spatial information, amino acid conservation, physicochemical variation, residue mobility, and thermodynamic stability) indicates that this missense variant is not expected to disrupt VPS13B protein function with a negative predictive value of 80%. In summary, the available evidence is currently insufficient to determine the role of this variant in disease. Therefore, it has been classified as a Variant of Uncertain Significance.

Ambry Genetics
Classification: Likely benign for Inborn genetic diseases. Last evaluated: 2025-04-15. Review status: criteria provided, single submitter. Criteria: Ambry Variant Classification Scheme 2023. Collection method: clinical testing. Allele origin: germline.

Fulgent Genetics
Classification: Uncertain significance for Cohen syndrome. Last evaluated: 2024-01-05. Review status: criteria provided, single submitter. Criteria: ACMG Guidelines, 2015. Collection method: clinical testing. Allele origin: germline.

GeneDx
Classification: Uncertain significance. Last evaluated: 2022-04-15. Review status: criteria provided, single submitter. Criteria: GeneDx Variant Classification Process June 2021. Collection method: clinical testing. Allele origin: germline. Affected: yes.
Comment: In silico analysis supports that this missense variant does not alter protein structure/function; Has not been previously published as pathogenic or benign to our knowledge

Blueprint Genetics
Classification: Likely benign. Last evaluated: 2020-03-11. Review status: criteria provided, single submitter. Criteria: ACMG Guidelines, 2015. Collection method: clinical testing. Allele origin: germline.